The following is an entry in ClinVar:

NM_006231.4(POLE):c.4802C>T (p.Pro1601Leu)

Gene: POLE (DNA polymerase epsilon, catalytic subunit; minus strand). Cytogenetic location: 12q24.33.
Variant type: single nucleotide variant.
Coding change: c.4802C>T on transcript NM_006231.4 (MANE Select); coding-DNA position 4802, C replaced by T.
Protein change: p.Pro1601Leu; replaces proline 1601 with leucine.
Molecular consequence: missense variant.
Genome position (GRCh38, 1-based): chr12:132,642,656, G>A on the plus strand (C>T on the coding strand, the complement: POLE is on the minus strand). VCF-style: chr12-132642656-G-A. GRCh37 (hg19) VCF-style: chr12-133219242-G-A.
Other names: short protein forms P1601L.
Identifiers: ClinVar variation 849586 (VCV000849586.12), dbSNP rs1593731286, ClinGen allele CA387378342.

ClinVar aggregate classification (germline): Uncertain significance. Review status: criteria provided, multiple submitters, no conflicts (2 of 4 stars). 3 submissions from 3 submitters: Uncertain significance (3). Last evaluated 2025-11-06.

Conditions:
Hereditary cancer-predisposing syndrome. Also called: Tumor predisposition; Neoplastic Syndromes, Hereditary; Hereditary neoplastic syndrome; Hereditary Cancer Syndrome. Identifiers: Orphanet 140162, MedGen C0027672, MeSH D009386, MONDO:0015356.
Intrauterine growth retardation, metaphyseal dysplasia, adrenal hypoplasia congenita, genital anomalies, and immunodeficiency. Also called: IMAGEI SYNDROME. Identifiers: MedGen C5193036, MONDO:0032684, OMIM 618336.
Colorectal cancer, susceptibility to, 12 (CRCS12). Also called: COLORECTAL CANCER, SUSCEPTIBILITY TO, ON CHROMOSOME 12q24. Identifiers: Orphanet 220460, MedGen C3554460, MONDO:0014038, OMIM 615083.
Facial dysmorphism-immunodeficiency-livedo-short stature syndrome. Also called: FILS syndrome; Facial dysmorphism, immunodeficiency, livedo, and short stature. Identifiers: Orphanet 352712, MedGen C3554576, MONDO:0014058, OMIM 615139.

Submissions (3):

Ambry Genetics
Classification: Uncertain significance for Hereditary cancer-predisposing syndrome. Last evaluated: 2025-11-06. Review status: criteria provided, single submitter. Criteria: Ambry Variant Classification Scheme 2023. Collection method: clinical testing. Allele origin: germline.
Comment: The p.P1601L variant (also known as c.4802C>T), located in coding exon 37 of the POLE gene, results from a C to T substitution at nucleotide position 4802. The proline at codon 1601 is replaced by leucine, an amino acid with similar properties. This amino acid position is conserved. In addition, the in silico prediction for this alteration is inconclusive. Based on the available evidence, the clinical significance of this variant remains unclear.

Labcorp Genetics (formerly Invitae), Labcorp
Classification: Uncertain significance. Last evaluated: 2025-10-01. Review status: criteria provided, single submitter. Criteria: Invitae Variant Classification Sherloc (09022015). Collection method: clinical testing. Allele origin: germline.
Comment: This sequence change replaces proline, which is neutral and non-polar, with leucine, which is neutral and non-polar, at codon 1601 of the POLE protein (p.Pro1601Leu). This variant is not present in population databases (gnomAD no frequency). This variant has not been reported in the literature in individuals affected with POLE-related conditions. ClinVar contains an entry for this variant (Variation ID: 849586). Invitae Evidence Modeling of protein sequence and biophysical properties (such as structural, functional, and spatial information, amino acid conservation, physicochemical variation, residue mobility, and thermodynamic stability) indicates that this missense variant is not expected to disrupt POLE protein function with a negative predictive value of 80%. In summary, the available evidence is currently insufficient to determine the role of this variant in disease. Therefore, it has been classified as a Variant of Uncertain Significance.

Fulgent Genetics
Classification: Uncertain significance for Colorectal cancer, susceptibility to, 12; Facial dysmorphism-immunodeficiency-livedo-short stature syndrome; Intrauterine growth retardation, metaphyseal dysplasia, adrenal hypoplasia congenita, genital anomalies, and immunodeficiency. Last evaluated: 2021-09-27. Review status: criteria provided, single submitter. Criteria: ACMG Guidelines, 2015. Collection method: clinical testing. Allele origin: unknown.